The following is an entry in ClinVar:

NM_001244008.2(KIF1A):c.710C>T (p.Thr237Ile)

Gene: KIF1A (kinesin family member 1A; minus strand). Cytogenetic location: 2q37.3.
Variant type: single nucleotide variant.
Coding change: c.710C>T on transcript NM_001244008.2 (MANE Select); coding-DNA position 710, C replaced by T.
Protein change: p.Thr237Ile; replaces threonine 237 with isoleucine.
Molecular consequence: missense variant.
Genome position (GRCh38, 1-based): chr2:240,784,999, G>A on the plus strand (C>T on the coding strand, the complement: KIF1A is on the minus strand). VCF-style: chr2-240784999-G-A. GRCh37 (hg19) VCF-style: chr2-241724416-G-A.
Other names: c.710C>T, p.Thr237Ile (NM_001320705.2, NM_001330289.2, NM_001330290.2 and 21 more transcripts); short protein forms T237I.
Identifiers: ClinVar variation 1953559 (VCV001953559.6), dbSNP rs2538307391, ClinGen allele CA351304500.

ClinVar aggregate classification (germline): Uncertain significance. Review status: criteria provided, multiple submitters, no conflicts (2 of 4 stars). 2 submissions from 2 submitters: Uncertain significance (2). Last evaluated 2023-05-03.

Conditions:
Hereditary spastic paraplegia 30. Identifiers: Orphanet 101010, MedGen C5235139, MONDO:0012476.
Neuropathy, hereditary sensory, type 2C. Also called: Hereditary sensory and autonomic neuropathy type IIC; KIF1A-Related HSAN2 (HSAN2C). Identifiers: Orphanet 970, MedGen C3280168, MONDO:0013634, OMIM 614213.
Intellectual disability, autosomal dominant 9 (NESCAVS). Also called: NESCAV SYNDROME; KIF1A-Related Neurodevelopmental Disorder. Identifiers: Orphanet 662367, MedGen C5393830, MONDO:0013656, OMIM 614255.

Submissions (2):

Women's Health and Genetics/Laboratory Corporation of America, LabCorp
Classification: Uncertain significance. Last evaluated: 2023-05-03. Review status: criteria provided, single submitter. Criteria: LabCorp Variant Classification Summary - May 2015. Collection method: clinical testing. Allele origin: germline.
Comment: Variant summary: KIF1A c.710C>T (p.Thr237Ile) results in a non-conservative amino acid change located in the Kinesin motor domain (IPR001752) of the encoded protein sequence. Three of five in-silico tools predict a damaging effect of the variant on protein function. The variant was absent in 249432 control chromosomes (gnomAD). The available data on variant occurrences in the general population are insufficient to allow any conclusion about variant significance. To our knowledge, no occurrence of c.710C>T in individuals affected with NESCAV Syndrome and no experimental evidence demonstrating its impact on protein function have been reported. One clinical diagnostic laboratory has submitted clinical-significance assessments for this variant to ClinVar after 2014 and classified the variant as uncertain significance. Based on the evidence outlined above, the variant was classified as uncertain significance.

Labcorp Genetics (formerly Invitae), Labcorp
Classification: Uncertain significance for Hereditary spastic paraplegia 30; Neuropathy, hereditary sensory, type 2C; Intellectual disability, autosomal dominant 9. Last evaluated: 2022-10-19. Review status: criteria provided, single submitter. Criteria: Invitae Variant Classification Sherloc (09022015). Collection method: clinical testing. Allele origin: germline.
Comment: This sequence change replaces threonine, which is neutral and polar, with isoleucine, which is neutral and non-polar, at codon 237 of the KIF1A protein (p.Thr237Ile). In summary, the available evidence is currently insufficient to determine the role of this variant in disease. Therefore, it has been classified as a Variant of Uncertain Significance. Advanced modeling of protein sequence and biophysical properties (such as structural, functional, and spatial information, amino acid conservation, physicochemical variation, residue mobility, and thermodynamic stability) performed at Invitae indicates that this missense variant is expected to disrupt KIF1A protein function. This variant has not been reported in the literature in individuals affected with KIF1A-related conditions. This variant is not present in population databases (gnomAD no frequency).